The following is an entry in ClinVar:

NM_004287.5(GOSR2):c.82C>T (p.Gln28Ter)

Genes: GOSR2 (golgi SNAP receptor complex member 2; plus strand), LRRC37A2 (leucine rich repeat containing 37 member A2). Cytogenetic location: 17q21.32.
Variant type: single nucleotide variant.
Coding change: c.82C>T on transcript NM_004287.5 (MANE Select); coding-DNA position 82, C replaced by T.
Protein change: p.Gln28Ter; replaces glutamine 28 with a stop codon.
Molecular consequence: nonsense. On other transcripts: non-coding transcript variant (3).
Genome position (GRCh38, 1-based): chr17:46,929,572, C>T. VCF-style: chr17-46929572-C-T. GRCh37 (hg19) VCF-style: chr17-45006938-C-T.
Other names: c.82C>T, p.Gln28Ter (NM_001012511.3, NM_001321133.2, NM_001330252.2 and 4 more transcripts); c.28C>T, p.Gln10Ter (NM_001321134.2, NM_001363851.2); short protein forms Q10*, Q28*.
Identifiers: ClinVar variation 983499 (VCV000983499.8), dbSNP rs1466441723, ClinGen allele CA400016033.

ClinVar aggregate classification (germline): Pathogenic. Review status: criteria provided, multiple submitters, no conflicts (2 of 4 stars). 3 submissions from 3 submitters: Pathogenic (2). 1 of the submissions does not count toward it. Last evaluated 2022-08-16.

Conditions:
Muscular dystrophy, congenital, with or without seizures (MYOS). Identifiers: MedGen C5774274, MONDO:0859336, OMIM 620166.
Progressive myoclonic epilepsy. Also called: Familial progressive myoclonic epilepsy; Myoclonic Epilepsies, Progressive; Myoclonus epilepsy; Progressive myoclonus epilepsy. Identifiers: Orphanet 308, Orphanet 98261, MedGen C0751778, MONDO:0020074.

Allele frequency attached by ClinVar (database versions not stated): gnomAD exomes below 0.00001.
gnomAD v4.1: 6 of 1,516,400 alleles (0.0004%); highest among the groups gnomAD compares: Non-Finnish European, 0.00055%; no homozygotes.

Submissions (3):

Labcorp Genetics (formerly Invitae), Labcorp
Classification: Pathogenic for Progressive myoclonic epilepsy. Last evaluated: 2022-08-16. Review status: criteria provided, single submitter. Criteria: Invitae Variant Classification Sherloc (09022015). Collection method: clinical testing. Allele origin: germline.
Comment: This sequence change creates a premature translational stop signal (p.Gln28*) in the GOSR2 gene. It is expected to result in an absent or disrupted protein product. Loss-of-function variants in GOSR2 are known to be pathogenic (PMID: 21549339). This variant is present in population databases (no rsID available, gnomAD 0.0009%). This premature translational stop signal has been observed in individual(s) with GOSR2-related conditions (PMID: 33639315). ClinVar contains an entry for this variant (Variation ID: 983499). For these reasons, this variant has been classified as Pathogenic.

GeneDx
Classification: Pathogenic. Last evaluated: 2020-10-05. Review status: criteria provided, single submitter. Criteria: GeneDx Variant Classification (06012015). Collection method: clinical testing. Allele origin: germline. Affected: yes.

OMIM
Classification: Pathogenic for MUSCULAR DYSTROPHY, CONGENITAL, WITHOUT SEIZURES. Last evaluated: 2022-12-22. Review status: no assertion criteria provided. Collection method: literature only. Allele origin: germline. Not counted in ClinVar's aggregate classification.

Literature cited by the submitters: PubMed 21549339 (cited by Labcorp Genetics (formerly Invitae), Labcorp); PubMed 33639315 (cited by Labcorp Genetics (formerly Invitae), Labcorp and OMIM).